The following is an entry in ClinVar:

ClinVar aggregate classification (germline): Uncertain significance (1 of 4 stars; one submission).

Conditions:
Sulfite oxidase deficiency due to molybdenum cofactor deficiency type C. Also called: Molybdenum cofactor deficiency, complementation group C; Molybdenum cofactor deficiency C. Identifiers: Orphanet 308400, Orphanet 833, MedGen C1854990, MONDO:0014212, OMIM 615501.

Submission:

Labcorp Genetics (formerly Invitae), Labcorp
Classification: Uncertain significance for Sulfite oxidase deficiency due to molybdenum cofactor deficiency type C. Last evaluated: 2025-08-15. Review status: criteria provided, single submitter. Criteria: Invitae Variant Classification Sherloc (09022015). Collection method: clinical testing. Allele origin: germline.
Comment: This sequence change replaces cysteine, which is neutral and slightly polar, with tryptophan, which is neutral and slightly polar, at codon 212 of the GPHN protein (p.Cys212Trp). This variant is not present in population databases (gnomAD no frequency). This variant has not been reported in the literature in individuals affected with GPHN-related conditions. Invitae Evidence Modeling of protein sequence and biophysical properties (such as structural, functional, and spatial information, amino acid conservation, physicochemical variation, residue mobility, and thermodynamic stability) indicates that this missense variant is expected to disrupt GPHN protein function with a positive predictive value of 80%. In summary, the available evidence is currently insufficient to determine the role of this variant in disease. Therefore, it has been classified as a Variant of Uncertain Significance.

NM_020806.5(GPHN):c.636T>G (p.Cys212Trp)

Gene: GPHN (gephyrin; plus strand). Cytogenetic location: 14q23.3.
Variant type: single nucleotide variant.
Coding change: c.636T>G on transcript NM_020806.5 (MANE Select); coding-DNA position 636, T replaced by G.
Protein change: p.Cys212Trp; replaces cysteine 212 with tryptophan.
Molecular consequence: missense variant.
Genome position (GRCh38, 1-based): chr14:66,922,845, T>G. VCF-style: chr14-66922845-T-G. GRCh37 (hg19) VCF-style: chr14-67389562-T-G.
Other names: c.636T>G, p.Cys212Trp (NM_001024218.2, NM_001377515.1, NM_001377516.1 and 2 more transcripts); c.675T>G, p.Cys225Trp (NM_001377514.1, NM_001377519.1); short protein forms C212W, C225W.
Identifiers: ClinVar variation 4743935 (VCV004743935.1).